The following is an entry in ClinVar:

ClinVar aggregate classification (germline): Benign/Likely benign. Review status: criteria provided, multiple submitters, no conflicts (2 of 4 stars). 4 submissions from 4 submitters: Benign (1); Likely benign (3). Last evaluated 2026-04-02.

Conditions:
APC-related disorder. Also called: APC-related condition.
Hereditary cancer-predisposing syndrome. Also called: Hereditary neoplastic syndrome; Hereditary Cancer Syndrome; Tumor predisposition; Neoplastic Syndromes, Hereditary. Identifiers: Orphanet 140162, MedGen C0027672, MeSH D009386, MONDO:0015356.
Familial adenomatous polyposis 1 (FAP1). Also called: POLYPOSIS, ADENOMATOUS INTESTINAL; FAMILIAL ADENOMATOUS POLYPOSIS 1, ATTENUATED. Identifiers: MedGen C2713442, MONDO:0021056, OMIM 175100. Disease mechanism: loss of function.

Submissions (4):

PreventionGenetics, part of Exact Sciences
Classification: Likely benign for APC-related condition. Last evaluated: 2026-04-02. Review status: criteria provided, single submitter. Criteria: ACMG Guidelines, 2015. Collection method: clinical testing. Allele origin: germline.
Comment: This variant is classified as likely benign based on ACMG/AMP sequence variant interpretation guidelines (Richards et al. 2015 PMID: 25741868, with internal and published modifications).

Ambry Genetics
Classification: Likely benign for Hereditary cancer-predisposing syndrome. Last evaluated: 2024-04-26. Review status: criteria provided, single submitter. Criteria: Ambry Variant Classification Scheme 2023. Collection method: clinical testing. Allele origin: germline.

Myriad Genetics, Inc.
Classification: Benign for Familial adenomatous polyposis 1. Last evaluated: 2024-03-07. Review status: criteria provided, single submitter. Criteria: Myriad Autosomal Dominant, Autosomal Recessive and X-Linked Classification Criteria (2023). Collection method: clinical testing. Allele origin: unknown.
Comment: This variant is considered benign. This variant is a silent/synonymous amino acid change and it is not expected to impact splicing.

GeneDx
Classification: Likely benign. Last evaluated: 2019-03-07. Review status: criteria provided, single submitter. Criteria: GeneDx Variant Classification Process June 2021. Collection method: clinical testing. Allele origin: germline. Affected: yes.

NM_000038.6(APC):c.1881C>T (p.Asn627=)

Gene: APC (APC regulator of Wnt signaling pathway; plus strand). Cytogenetic location: 5q22.2.
Variant type: single nucleotide variant.
Coding change: c.1881C>T on transcript NM_000038.6 (MANE Select); coding-DNA position 1881, C replaced by T.
Protein change: p.Asn627=; no amino-acid change (asparagine 627 retained).
Molecular consequence: synonymous variant.
Genome position (GRCh38, 1-based): chr5:112,835,088, C>T. VCF-style: chr5-112835088-C-T. GRCh37 (hg19) VCF-style: chr5-112170785-C-T.
Other names: c.1881C>T, p.Asn627= (NM_001127510.3, NM_001354895.2); c.1827C>T, p.Asn609= (NM_001127511.3); c.1935C>T, p.Asn645= (NM_001354896.2); c.1911C>T, p.Asn637= (NM_001354897.2); c.1806C>T, p.Asn602= (NM_001354898.2); c.1797C>T, p.Asn599= (NM_001354899.2); c.1758C>T, p.Asn586= (NM_001354900.2); c.1704C>T, p.Asn568= (NM_001354901.2); and 5 more.
Identifiers: ClinVar variation 1200618 (VCV001200618.6), dbSNP rs2149843250, ClinGen allele CA445758899.
Genomic context (GRCh38, chr5:112,835,088, plus strand): 5'-TGCTGTAGATGGTGCACTTGCATTTTTGGTTGGCACTCTTACTTACCGGAGCCAGACAAA[C>T]ACTTTAGCCATTATTGAAAGTGGAGGTGGGATATTACGGAATGTGTCCAGCTTGATAGCT-3'
Protein context (NP_000029.2, residues 617-637): VGTLTYRSQT[Asn627=]TLAIIESGGG